The following is an entry in ClinVar:

ClinVar aggregate classification (germline): Uncertain significance (1 of 4 stars; one submission).

Submission:

GeneDx
Classification: Uncertain significance. Last evaluated: 2025-04-21. Review status: criteria provided, single submitter. Criteria: GeneDx Variant Classification Process June 2021. Collection method: clinical testing. Allele origin: germline.
Comment: Not observed at significant frequency in large population cohorts (gnomAD); Nonsense variant predicted to result in protein truncation or nonsense mediated decay in a gene or region of a gene for which loss of function is not a well-established mechanism of disease; Has not been previously published as pathogenic or benign to our knowledge; Variants in candidate genes are classified as variants of uncertain significance in accordance with ACMG guidelines (PMID: 25741868)

NM_014717.3(ZNF536):c.1563C>A (p.Tyr521Ter)

Gene: ZNF536 (zinc finger protein 536; plus strand). Cytogenetic location: 19q12.
Variant type: single nucleotide variant.
Coding change: c.1563C>A on transcript NM_014717.3 (MANE Select); coding-DNA position 1563, C replaced by A.
Protein change: p.Tyr521Ter; replaces tyrosine 521 with a stop codon.
Molecular consequence: nonsense.
Genome position (GRCh38, 1-based): chr19:30,445,125, C>A. VCF-style: chr19-30445125-C-A. GRCh37 (hg19) VCF-style: chr19-30936032-C-A.
Other names: c.1563C>A, p.Tyr521Ter (NM_001352260.2, NM_001376110.1, NM_001376111.1 and 1 more transcripts); short protein forms Y521*.
Identifiers: ClinVar variation 4975130 (VCV004975130.1).